The following is an entry in ClinVar:

NM_170682.4(P2RX2):c.1176T>C (p.Pro392=)

Gene: P2RX2 (purinergic receptor P2X 2; plus strand). Cytogenetic location: 12q24.33.
Variant type: single nucleotide variant.
Coding change: c.1176T>C on transcript NM_170682.4 (MANE Select); coding-DNA position 1176, T replaced by C.
Protein change: p.Pro392=; no amino-acid change (proline 392 retained).
Molecular consequence: synonymous variant. On other transcripts: 3 prime UTR variant (1), intron variant (2).
Genome position (GRCh38, 1-based): chr12:132,621,732, T>C. VCF-style: chr12-132621732-T-C. GRCh37 (hg19) VCF-style: chr12-133198318-T-C.
Other names: c.*223T>C (NM_001282165.2); c.960T>C, p.Pro320= (NM_012226.5); c.1104T>C, p.Pro368= (NM_016318.4); c.1254T>C, p.Pro418= (NM_170683.4); c.900T>C, p.Pro300= (NM_174872.3); c.1140+36T>C (NM_174873.3); c.1038+36T>C (NM_001282164.2); c.1254T>C (NM_170683.3).
Identifiers: ClinVar variation 929880 (VCV000929880.6), dbSNP rs189869132, ClinGen allele CA6891851.

ClinVar aggregate classification (germline): Likely benign. Review status: criteria provided, multiple submitters, no conflicts (2 of 4 stars). 3 submissions from 3 submitters: Likely benign (3). Last evaluated 2026-07-08.

Conditions:
P2RX2-related disorder. Also called: P2RX2-related condition.

Allele frequency attached by ClinVar (database versions not stated): gnomAD exomes 0.00007 and 0.00002; 1000 Genomes Project 0.00040; gnomAD 0.00042 and 0.00044; 1000 Genomes Project 30x 0.00047; TOPMed 0.00099; ExAC 0.00004.
gnomAD v4.1: 121 of 1,610,910 alleles (0.0075%); highest among the groups gnomAD compares: Admixed American, 0.14%; no homozygotes.

Submissions (3):

PreventionGenetics, part of Exact Sciences
Classification: Likely benign for P2RX2-related condition. Last evaluated: 2026-07-08. Review status: criteria provided, single submitter. Criteria: ACMG Guidelines, 2015. Collection method: clinical testing. Allele origin: germline.
Comment: This variant is classified as likely benign based on ACMG/AMP sequence variant interpretation guidelines (Richards et al. 2015 PMID: 25741868, with internal and published modifications).

Blueprint Genetics
Classification: Likely benign. Last evaluated: 2021-09-10. Review status: criteria provided, single submitter. Criteria: ACMG Guidelines, 2015. Collection method: clinical testing. Allele origin: germline.

Laboratory for Molecular Medicine, Mass General Brigham Personalized Medicine
Classification: Likely benign. Last evaluated: 2014-11-24. Review status: criteria provided, single submitter. Criteria: LMM Criteria. Collection method: clinical testing. Allele origin: germline. Observed: 1 variant allele.
Comment: Pro418Pro in exon 10B of P2RX2: This variant is not expected to have clinical significance because it does not alter an amino acid residue and is not located within the splice consensus sequence. It has been identified in 0.9% (1/110) of Puerto Rican chromosomes from a broad population by the 1000 Genomes Project (dbSNP rs189869132).